The following is an entry in ClinVar:

ClinVar aggregate classification (germline): Conflicting classifications of pathogenicity. Review status: criteria provided, conflicting classifications (1 of 4 stars). 5 submissions from 5 submitters: Uncertain significance (1); Benign (2); Likely benign (2). Last evaluated 2025-11-06.

Conditions:
RYR1-related disorder. Also called: RYR1-related condition; RYR1-related disorders. Identifiers: MedGen CN239331.
Malignant hyperthermia, susceptibility to, 1 (MHS1). Also called: Malignant hyperthermia suceptibility 1; Anesthesia related hyperthermia; Malignant hyperpyrexia; Fulminating hyperpyrexia; Pharmacogenic myopathy; RYR1-Related Malignant Hyperthermia Susceptibility. Identifiers: Orphanet 423, MedGen C2930980, MONDO:0007783, OMIM 145600.

Allele frequency attached by ClinVar (database versions not stated): gnomAD exomes 0.00005 and 0.00013; TOPMed 0.00011; ESP Exome Variant Server 0.00015; gnomAD 0.00015 and 0.00017; 1000 Genomes Project 30x 0.00094; 1000 Genomes Project 0.00120.
gnomAD v4.1: 85 of 1,231,264 alleles (0.0069%); highest among the groups gnomAD compares: East Asian, 0.074%; no homozygotes.

Submissions (5):

Labcorp Genetics (formerly Invitae), Labcorp
Classification: Likely benign for RYR1-related disorder. Last evaluated: 2025-11-06. Review status: criteria provided, single submitter. Criteria: Invitae Variant Classification Sherloc (09022015). Collection method: clinical testing. Allele origin: germline.

All of Us Research Program, National Institutes of Health
Classification: Benign for Malignant hyperthermia, susceptibility to, 1. Last evaluated: 2024-01-11. Review status: criteria provided, single submitter. Criteria: ACMG Guidelines, 2015. Collection method: clinical testing. Allele origin: germline. Inheritance: Autosomal dominant inheritance. Observed: 16 variant alleles, 16 heterozygotes.
Comment: This study involves interpretation of variants in research participants for the purpose of population health screening. Participant phenotype was not available at the time of variant classification. Additional details can be found in publication PMID: 35346344, PMCID: PMC8962531

Color Diagnostics, LLC DBA Color Health
Classification: Benign for Malignant hyperthermia, susceptibility to, 1. Last evaluated: 2023-01-13. Review status: criteria provided, single submitter. Criteria: ACMG Guidelines, 2015. Collection method: clinical testing. Allele origin: germline.

Blueprint Genetics
Classification: Likely benign. Last evaluated: 2020-01-09. Review status: criteria provided, single submitter. Criteria: ACMG Guidelines, 2015. Collection method: clinical testing. Allele origin: germline.

Genetic Services Laboratory, University of Chicago
Classification: Uncertain significance. Last evaluated: 2016-06-01. Review status: criteria provided, single submitter. Criteria: ACMG Guidelines, 2015. Collection method: clinical testing. Allele origin: germline. Affected: no.

NM_000540.3(RYR1):c.14304-10G>A

Gene: RYR1 (ryanodine receptor 1; plus strand). Cytogenetic location: 19q13.2.
Variant type: single nucleotide variant.
Coding change: c.14304-10G>A on transcript NM_000540.3 (MANE Select); 10 bases into the intron before coding-DNA position 14304, G replaced by A.
Molecular consequence: intron variant.
Genome position (GRCh38, 1-based): chr19:38,578,134, G>A. VCF-style: chr19-38578134-G-A. GRCh37 (hg19) VCF-style: chr19-39068774-G-A.
Other names: c.14289-10G>A (NM_001042723.2).
Identifiers: ClinVar variation 436619 (VCV000436619.19), dbSNP rs368201693, ClinGen allele CA061080.